The following is an entry in ClinVar:

ClinVar aggregate classification (germline): Pathogenic (1 of 4 stars; one submission).

Conditions:
Wilms tumor 1 (WT1). Also called: Wilms tumor, somatic. Identifiers: Orphanet 654, MedGen CN033288, MONDO:0008679, OMIM 194070.

Submission:

Labcorp Genetics (formerly Invitae), Labcorp
Classification: Pathogenic for Wilms tumor 1. Last evaluated: 2019-02-08. Review status: criteria provided, single submitter. Criteria: Invitae Variant Classification Sherloc (09022015). Collection method: clinical testing. Allele origin: germline.
Comment: For these reasons, this variant has been classified as Pathogenic. Loss-of-function variants in GPC3 are known to be pathogenic (PMID: 10402475, 12713262, 17603795). This variant has not been reported in the literature in individuals with GPC3-related conditions. This variant is not present in population databases (ExAC no frequency). This sequence change creates a premature translational stop signal (p.Pro28Alafs*41) in the GPC3 gene. It is expected to result in an absent or disrupted protein product.

Literature cited by the submitters: PubMed 10402475; PubMed 12713262; PubMed 17603795.

NM_004484.4(GPC3):c.80dup (p.Pro28fs)

Gene: GPC3 (glypican 3; minus strand). Cytogenetic location: Xq26.2.
Variant type: Duplication.
Coding change: c.80dup on transcript NM_004484.4 (MANE Select); coding-DNA position 80, one base duplicated (C; older notation c.80dupC).
Protein change: p.Pro28fs; shifts the reading frame from proline 28.
Molecular consequence: frameshift variant.
Genome position (GRCh38, 1-based): chrX:133,985,370, G duplicated on the plus strand (C on the coding strand, the reverse complement: GPC3 is on the minus strand); the first of 5 consecutive G bases (chrX:133,985,370-133,985,374); duplicating any one gives the same sequence. VCF-style (leftmost placement, unchanged base first): chrX-133985369-C-CG. GRCh37 (hg19) VCF-style: chrX-133119396-C-CG.
Other names: c.80dup, p.Pro28fs (NM_001164617.2, NM_001164618.2, NM_001164619.2); short protein forms P28fs.
Identifiers: ClinVar variation 656012 (VCV000656012.9), dbSNP rs1602581162, ClinGen allele CA915952374.
Genomic context (GRCh38, chrX:133,985,369, plus strand): 5'-GGGCTGCAGTCTCTGGAAGAAGGAGCGGACTTGGTGACAGGTGGCGTCCGGCGGCGGCGG[C>CG]GGGGGCTGCGCCTGTCCCGGGAAGTCCAAGCTGAGCAGCATCGCCACCACCAAGCACGCG-3'